The following is an entry in ClinVar:

ClinVar aggregate classification (germline): Uncertain significance. Review status: criteria provided, multiple submitters, no conflicts (2 of 4 stars). 2 submissions from 2 submitters: Uncertain significance (2). Last evaluated 2026-03-12.

Conditions:
Inborn genetic diseases. Identifiers: MedGen C0950123, MeSH D030342.
Fanconi anemia (FA). Also called: Fanconi's anemia. Identifiers: Orphanet 84, MedGen C0015625, MeSH D005199, MONDO:0019391.

Allele frequency attached by ClinVar (database versions not stated): gnomAD exomes below 0.00001; ExAC 0.00001.
gnomAD v4.1: 2 of 1,611,690 alleles (0.00012%); highest among the groups gnomAD compares: South Asian, 0.0022%; no homozygotes.

Submissions (2):

Ambry Genetics
Classification: Uncertain significance for Inborn genetic diseases. Last evaluated: 2026-03-12. Review status: criteria provided, single submitter. Criteria: Ambry Variant Classification Scheme 2023. Collection method: clinical testing. Allele origin: germline.
Comment: The p.T330I variant (also known as c.989C>T), located in coding exon 5 of the FANCM gene, results from a C to T substitution at nucleotide position 989. The threonine at codon 330 is replaced by isoleucine, an amino acid with similar properties. This amino acid position is conserved. In addition, this alteration is predicted to be tolerated by in silico analysis. Based on the available evidence, the clinical significance of this variant remains unclear.

Labcorp Genetics (formerly Invitae), Labcorp
Classification: Uncertain significance for Fanconi anemia. Last evaluated: 2019-06-15. Review status: criteria provided, single submitter. Criteria: Invitae Variant Classification Sherloc (09022015). Collection method: clinical testing. Allele origin: germline.
Comment: In summary, the available evidence is currently insufficient to determine the role of this variant in disease. Therefore, it has been classified as a Variant of Uncertain Significance. Algorithms developed to predict the effect of missense changes on protein structure and function are either unavailable or do not agree on the potential impact of this missense change (SIFT: "Deleterious"; PolyPhen-2: "Possibly Damaging"; Align-GVGD: "Class C0"). This variant has not been reported in the literature in individuals with FANCM-related conditions. This variant is present in population databases (rs759774206, ExAC 0.006%). This sequence change replaces threonine with isoleucine at codon 330 of the FANCM protein (p.Thr330Ile). The threonine residue is moderately conserved and there is a moderate physicochemical difference between threonine and isoleucine.

NM_020937.4(FANCM):c.989C>T (p.Thr330Ile)

Gene: FANCM (FA complementation group M; plus strand). Cytogenetic location: 14q21.2.
Variant type: single nucleotide variant.
Coding change: c.989C>T on transcript NM_020937.4 (MANE Select); coding-DNA position 989, C replaced by T.
Protein change: p.Thr330Ile; replaces threonine 330 with isoleucine.
Molecular consequence: missense variant.
Genome position (GRCh38, 1-based): chr14:45,151,467, C>T. VCF-style: chr14-45151467-C-T. GRCh37 (hg19) VCF-style: chr14-45620670-C-T.
Other names: c.911C>T, p.Thr304Ile (NM_001308133.2); c.989C>T, p.Thr330Ile (NM_001308134.2); short protein forms T304I, T330I.
Identifiers: ClinVar variation 950860 (VCV000950860.10), dbSNP rs759774206, ClinGen allele CA7168902.